The following is an entry in ClinVar:

ClinVar aggregate classification (germline): Uncertain significance (1 of 4 stars; one submission).

Conditions:
Cowden syndrome 6 (CWS6). Identifiers: Orphanet 201, MedGen C3554519, MONDO:0014048, OMIM 615109.

gnomAD v4.1: 1 of 1,614,134 alleles (0.000062%); highest among the groups gnomAD compares: Non-Finnish European, 0.000085%; no homozygotes.

Submission:

Labcorp Genetics (formerly Invitae), Labcorp
Classification: Uncertain significance for Cowden syndrome 6. Last evaluated: 2023-08-02. Review status: criteria provided, single submitter. Criteria: Invitae Variant Classification Sherloc (09022015). Collection method: clinical testing. Allele origin: germline.
Comment: In summary, the available evidence is currently insufficient to determine the role of this variant in disease. Therefore, it has been classified as a Variant of Uncertain Significance. This variant has not been reported in the literature in individuals affected with AKT1-related conditions. This variant is not present in population databases (gnomAD no frequency). This sequence change creates a premature translational stop signal (p.Tyr340*) in the AKT1 gene. It is expected to result in an absent or disrupted protein product. However, the current clinical and genetic evidence is not sufficient to establish whether loss-of-function variants in AKT1 cause disease.

NM_001382430.1(AKT1):c.1020C>G (p.Tyr340Ter)

Gene: AKT1 (AKT serine/threonine kinase 1; minus strand). Cytogenetic location: 14q32.33.
Variant type: single nucleotide variant.
Coding change: c.1020C>G on transcript NM_001382430.1 (MANE Select); coding-DNA position 1020, C replaced by G.
Protein change: p.Tyr340Ter; replaces tyrosine 340 with a stop codon.
Molecular consequence: nonsense.
Genome position (GRCh38, 1-based): chr14:104,773,030, G>C on the plus strand (C>G on the coding strand, the complement: AKT1 is on the minus strand). VCF-style: chr14-104773030-G-C. GRCh37 (hg19) VCF-style: chr14-105239367-G-C.
Other names: c.1020C>G, p.Tyr340Ter (NM_001014431.2, NM_001014432.2, NM_001382431.1 and 3 more transcripts); short protein forms Y340*.
Identifiers: ClinVar variation 2749487 (VCV002749487.3), dbSNP rs144088506, ClinGen allele CA391217189.
Genomic context (GRCh38, chr14:104,773,030, plus strand): 5'-GAGCTCAAAAAGCTTCTCATGGTCCTGGTTGTAGAAGGGCAGGCGACCGCACATCATCTC[G>C]TACATGACCACGCCCAGCCCCCACCAGTCCACTGCACGGCCGTAGTCATTGTCCTCCAGC-3'